The following is an entry in ClinVar:

NC_012920.1(MT-ATP6):m.9170C>T

Gene: MT-ATP6 (mitochondrially encoded ATP synthase 6; plus strand).
Variant type: single nucleotide variant.
Genome position: chrM-9170-C-T.
Identifiers: ClinVar variation 693116 (VCV000693116.1), dbSNP rs1603222148, ClinGen allele CA414802351.

ClinVar aggregate classification (germline): Uncertain significance (1 of 4 stars; one submission).

Conditions:
Leigh syndrome (NULS). Also called: Leigh's necrotizing encephalopathy; Leigh's disease; Leigh Syndrome (mtDNA deletion); Leigh Disease; Subacute necrotizing encephalopathy; Necrotizing encephalopathy infantile subacute of Leigh. Identifiers: Orphanet 506, MedGen C2931891, MONDO:0009723, OMIM 256000.

Submission:

Wong Mito Lab, Molecular and Human Genetics, Baylor College of Medicine
Classification: Uncertain significance for Leigh syndrome. Last evaluated: 2019-10-17. Review status: criteria provided, single submitter. Criteria: Modified ACMG Guidelines (Unpublished). Collection method: clinical testing. Allele origin: germline.
Comment: The NC_012920.1:m.9170C>T (YP_003024031.1:p.Thr215Met) variant in MTATP6 gene is interpretated to be a Uncertain Significance variant based on the modified ACMG guidelines (unpublished). This variant meets the following evidence codes: PP7, BP5